The following is an entry in ClinVar:

NM_003072.5(SMARCA4):c.3874-17A>G

Gene: SMARCA4 (SWI/SNF related BAF chromatin remodeling complex subunit ATPase 4; plus strand). Cytogenetic location: 19p13.2.
Variant type: single nucleotide variant.
Coding change: c.3874-17A>G on transcript NM_003072.5 (MANE Select); 17 bases into the intron before coding-DNA position 3874, A replaced by G.
Molecular consequence: intron variant.
Genome position (GRCh38, 1-based): chr19:11,034,106, A>G. VCF-style: chr19-11034106-A-G. GRCh37 (hg19) VCF-style: chr19-11144782-A-G.
Other names: c.3874-17A>G (NM_001128844.3, NM_001128849.3, NM_001387283.1); c.3775-17A>G (NM_001128847.4, NM_001374457.1, NM_001128845.2 and 2 more transcripts).
Identifiers: ClinVar variation 1995047 (VCV001995047.5), dbSNP rs2146676641, ClinGen allele CA2580096337.

ClinVar aggregate classification (germline): Likely benign. Review status: criteria provided, multiple submitters, no conflicts (2 of 4 stars). 2 submissions from 2 submitters: Likely benign (2). Last evaluated 2026-07-08.

Conditions:
Rhabdoid tumor predisposition syndrome 2 (RTPS2). Identifiers: Orphanet 231108, Orphanet 69077, MedGen C2750074, MONDO:0013224, OMIM 613325.

Allele frequency attached by ClinVar (database versions not stated): gnomAD exomes below 0.00001.
gnomAD v4.1: 1 of 1,607,432 alleles (0.000062%); highest among the groups gnomAD compares: Non-Finnish European, 0.000085%; no homozygotes.

Submissions (2):

Myriad Genetics, Inc.
Classification: Likely benign for Rhabdoid tumor predisposition syndrome 2. Last evaluated: 2026-07-08. Review status: criteria provided, single submitter. Criteria: Myriad Autosomal Dominant, Autosomal Recessive and X-Linked Classification Criteria (2023). Collection method: clinical testing. Allele origin: unknown.
Comment: This variant is considered likely benign. This variant is intronic and is not expected to impact mRNA splicing.

Labcorp Genetics (formerly Invitae), Labcorp
Classification: Likely benign for Rhabdoid tumor predisposition syndrome 2. Last evaluated: 2025-08-13. Review status: criteria provided, single submitter. Criteria: Invitae Variant Classification Sherloc (09022015). Collection method: clinical testing. Allele origin: germline.